The following is an entry in ClinVar:

ClinVar aggregate classification (germline): Uncertain significance (1 of 4 stars; one submission).

Submission:

Labcorp Genetics (formerly Invitae), Labcorp
Classification: Uncertain significance. Last evaluated: 2025-05-14. Review status: criteria provided, single submitter. Criteria: Invitae Variant Classification Sherloc (09022015). Collection method: clinical testing. Allele origin: germline.
Comment: This sequence change replaces proline, which is neutral and non-polar, with arginine, which is basic and polar, at codon 477 of the NACC1 protein (p.Pro477Arg). This variant is not present in population databases (gnomAD no frequency). This variant has not been reported in the literature in individuals affected with NACC1-related conditions. Invitae Evidence Modeling of protein sequence and biophysical properties (such as structural, functional, and spatial information, amino acid conservation, physicochemical variation, residue mobility, and thermodynamic stability) indicates that this missense variant is not expected to disrupt NACC1 protein function with a negative predictive value of 80%. In summary, the available evidence is currently insufficient to determine the role of this variant in disease. Therefore, it has been classified as a Variant of Uncertain Significance.

NM_052876.4(NACC1):c.1430C>G (p.Pro477Arg)

Gene: NACC1 (nucleus accumbens associated 1; plus strand). Cytogenetic location: 19p13.13.
Variant type: single nucleotide variant.
Coding change: c.1430C>G on transcript NM_052876.4 (MANE Select); coding-DNA position 1430, C replaced by G.
Protein change: p.Pro477Arg; replaces proline 477 with arginine.
Molecular consequence: missense variant.
Genome position (GRCh38, 1-based): chr19:13,138,252, C>G. VCF-style: chr19-13138252-C-G. GRCh37 (hg19) VCF-style: chr19-13249066-C-G.
Other names: short protein forms P477R.
Identifiers: ClinVar variation 4746069 (VCV004746069.1).